The following is an entry in ClinVar:

ClinVar aggregate classification (germline): Likely benign (1 of 4 stars; one submission).

Conditions:
Breast-ovarian cancer, familial, susceptibility to, 2 (BROVCA2). Also called: BRCA2 Hereditary Breast and Ovarian Cancer. Identifiers: Orphanet 145, MedGen C2675520, MONDO:0012933, OMIM 612555. Disease mechanism: loss of function.

gnomAD v4.1: 1 of 1,612,816 alleles (0.000062%); highest among the groups gnomAD compares: South Asian, 0.0011%; no homozygotes.

Submission:

Cancer Bioinformatics and Tumour Evolution Laboratory, Monash University
Classification: Likely benign for Breast-ovarian cancer, familial, susceptibility to, 2. Last evaluated: 2026-05-01. Review status: criteria provided, single submitter. Criteria: ClinGen BRCA1 and BRCA2 Guidelines, 2024. Collection method: curation. Allele origin: germline. Inheritance: Autosomal dominant inheritance.
Comment: Missense variant outside of a functional domain with no splice impact. BRCA1 and BRCA2 VCEP guidelines recommend application of BP1_Strong (PMID: 39142283)

NM_000059.4(BRCA2):c.2033A>G (p.Asn678Ser)

Gene: BRCA2 (BRCA2 DNA repair associated; plus strand). Cytogenetic location: 13q13.1.
Variant type: single nucleotide variant.
Coding change: c.2033A>G on transcript NM_000059.4 (MANE Select); coding-DNA position 2033, A replaced by G.
Protein change: p.Asn678Ser; replaces asparagine 678 with serine.
Molecular consequence: missense variant. On other transcripts: non-coding transcript variant (1), intron variant (2).
Genome position (GRCh38, 1-based): chr13:32,336,388, A>G. VCF-style: chr13-32336388-A-G. GRCh37 (hg19) VCF-style: chr13-32910525-A-G.
Other names: c.2033A>G, p.Asn678Ser (NM_001406719.1, NM_001406720.1, NM_001432077.1); c.1909+3001A>G (NM_001406721.1); c.424+5358A>G (NM_001406722.1); short protein forms N678S.
Identifiers: ClinVar variation 4856450 (VCV004856450.1).